The following is an entry in ClinVar:

NM_002834.5(PTPN11):c.1380-5C>T

Gene: PTPN11 (protein tyrosine phosphatase non-receptor type 11; plus strand). Cytogenetic location: 12q24.13.
Variant type: single nucleotide variant.
Coding change: c.1380-5C>T on transcript NM_002834.5 (MANE Select); 5 bases into the intron before coding-DNA position 1380, C replaced by T.
Molecular consequence: intron variant.
Genome position (GRCh38, 1-based): chr12:112,488,438, C>T. VCF-style: chr12-112488438-C-T. GRCh37 (hg19) VCF-style: chr12-112926242-C-T.
Other names: c.1392-5C>T (NM_001330437.2); c.1377-5C>T (NM_001374625.1).
Identifiers: ClinVar variation 1334266 (VCV001334266.14), dbSNP rs765455455, ClinGen allele CA6798781.

ClinVar aggregate classification (germline): Conflicting classifications of pathogenicity. Review status: criteria provided, conflicting classifications (1 of 4 stars). 4 submissions from 4 submitters: Uncertain significance (2); Likely benign (2). Last evaluated 2024-07-10.

Conditions:
RASopathy. Also called: rasopathies; Noonan spectrum disorder. Identifiers: Orphanet 536391, MedGen C5555857, MONDO:0021060.
Noonan syndrome and Noonan-related syndrome. Identifiers: Orphanet 98733, MedGen C5681679, MONDO:0020297.
Cardiovascular phenotype. Identifiers: MedGen CN230736.

Allele frequency attached by ClinVar (database versions not stated): gnomAD 0.00001; gnomAD exomes 0.00001; TOPMed 0.00001; ExAC 0.00002.
gnomAD v4.1: 12 of 1,609,708 alleles (0.00075%); highest among the groups gnomAD compares: Admixed American, 0.0033%; no homozygotes.

Submissions (4):

ARUP Laboratories, Molecular Genetics and Genomics, ARUP Laboratories
Classification: Likely benign. Last evaluated: 2024-07-10. Review status: criteria provided, single submitter. Criteria: ARUP Molecular Germline Variant Investigation Process 2024. Collection method: clinical testing. Allele origin: germline.

Ambry Genetics
Classification: Uncertain significance for Cardiovascular phenotype. Last evaluated: 2024-03-12. Review status: criteria provided, single submitter. Criteria: Ambry Variant Classification Scheme 2023. Collection method: clinical testing. Allele origin: germline.
Comment: The c.1380-5C>T intronic variant results from a C to T substitution 5 nucleotides upstream from coding exon 12 in the PTPN11 gene. This nucleotide position is not well conserved in available vertebrate species. In silico splice site analysis predicts that this alteration will not have any significant effect on splicing. Based on the available evidence, the clinical significance of this alteration remains unclear.

Labcorp Genetics (formerly Invitae), Labcorp
Classification: Likely benign for RASopathy. Last evaluated: 2023-08-04. Review status: criteria provided, single submitter. Criteria: Invitae Variant Classification Sherloc (09022015). Collection method: clinical testing. Allele origin: germline.

Genome Diagnostics Laboratory, The Hospital for Sick Children
Classification: Uncertain significance for Noonan syndrome and Noonan-related syndrome. Last evaluated: 2021-06-03. Review status: criteria provided, single submitter. Criteria: ACMG Guidelines, 2015. Collection method: clinical testing. Allele origin: germline.